The following is an entry in ClinVar:

ClinVar aggregate classification (germline): Uncertain significance (1 of 4 stars; one submission).

Conditions:
Intellectual developmental disorder, X-linked, syndromic, Turner type. Also called: X-linked intellectual disability, Turner type; Intellectual disability, X-linked syndromic, Turner type. Identifiers: Orphanet 3056, Orphanet 85328, MedGen C2678046, MONDO:0010407, OMIM 309590.

gnomAD v4.1: 1 of 1,211,905 alleles (0.000083%); highest among the groups gnomAD compares: Non-Finnish European, 0.00011%; no homozygotes.

Submission:

Victorian Clinical Genetics Services, Murdoch Childrens Research Institute
Classification: Uncertain significance for Intellectual developmental disorder, X-linked, syndromic, Turner type. Last evaluated: 2025-05-26. Review status: criteria provided, single submitter. Criteria: ACMG Guidelines, 2015. Collection method: clinical testing. Allele origin: germline. Affected: yes.
Comment: This variant is classified as VUS-3B. Evidence in support of pathogenic classification: Variant is present in gnomAD <0.01 (v4: 1 heterozygote(s), 0 homozygote(s), 0 hemizygote(s)); Missense variant in a region that is highly intolerant to missense variation (high constraint region in DECIPHER). Additional information: Variant is predicted to result in a missense amino acid change from arginine to histidine; This variant is hemizygous; This gene is associated with X-linked disease. Due to skewed X-inactivation, heterozygous females can be variably affected, ranging from asymptomatic to fully manifesting the condition (PMID: 29180823); Alternative amino acid change(s) at the same position are present in gnomAD (Highest allele count: v4: 1 heterozygote(s), 0 homozygote(s), 0 hemizygote(s)); This variant has no previous evidence of pathogenicity; No published segregation evidence has been identified for this variant; No published functional evidence has been identified for this variant; No comparable missense variants have previous evidence for pathogenicity; Missense variant with inconclusive in silico prediction and uninformative conservation; Loss of function and gain of function are known mechanisms of disease in this gene and are associated with intellectual developmental disorder, X-linked syndromic, Turner type (MIM#309590) (PMID: 27130160).

Literature cited by the submitters: PubMed 27130160; PubMed 29180823.

NM_031407.7(HUWE1):c.4877G>A (p.Arg1626His)

Gene: HUWE1 (HECT, UBA and WWE domain containing E3 ubiquitin protein ligase 1; minus strand). Cytogenetic location: Xp11.22.
Variant type: single nucleotide variant.
Coding change: c.4877G>A on transcript NM_031407.7 (MANE Select); coding-DNA position 4877, G replaced by A.
Protein change: p.Arg1626His; replaces arginine 1626 with histidine.
Molecular consequence: missense variant.
Genome position (GRCh38, 1-based): chrX:53,585,136, C>T on the plus strand (G>A on the coding strand, the complement: HUWE1 is on the minus strand). VCF-style: chrX-53585136-C-T. GRCh37 (hg19) VCF-style: chrX-53612096-C-T.
Other names: c.4877G>A, p.Arg1626His (NM_001441048.1, NM_001441049.1, NM_001441051.1 and 6 more transcripts); c.4898G>A, p.Arg1633His (NM_001441050.1, NM_001441055.1); short protein forms R1626H, R1633H.
Identifiers: ClinVar variation 4531335 (VCV004531335.1).
Genomic context (GRCh38, chrX:53,585,136, plus strand): 5'-TCTCCAGATTTCCAGGCAGAATCAATAGTGCTATTGTTGCTTGCACTGTAACTACACCAA[C>T]GCCCAGAGCGATCATCAAACCAGCGCCAGTTGTTGCTGTTGGATTGCAGGTACTAAACAT-3'
Protein context (NP_113584.3, residues 1616-1636): NWRWFDDRSG[Arg1626His]WCSYSASNNS